The following is an entry in ClinVar:

NM_013275.6(ANKRD11):c.7083dup (p.Thr2362fs)

Gene: ANKRD11 (ankyrin repeat domain containing 11; minus strand). Cytogenetic location: 16q24.3.
Variant type: Duplication.
Coding change: c.7083dup on transcript NM_013275.6 (MANE Select); coding-DNA position 7083, one base duplicated (C; older notation c.7083dupC).
Protein change: p.Thr2362fs; shifts the reading frame from threonine 2362.
Molecular consequence: frameshift variant.
Genome position (GRCh38, 1-based): chr16:89,279,459, G duplicated on the plus strand (C on the coding strand, the reverse complement: ANKRD11 is on the minus strand); the first of 5 consecutive G bases (chr16:89,279,459-89,279,463); duplicating any one gives the same sequence. VCF-style (leftmost placement, unchanged base first): chr16-89279458-T-TG. GRCh37 (hg19) VCF-style: chr16-89345866-T-TG.
Other names: c.7083dup, p.Thr2362fs (NM_001256182.2, NM_001256183.2); short protein forms T2362fs.
Identifiers: ClinVar variation 280655 (VCV000280655.2), dbSNP rs886041822, ClinGen allele CA10603284.
Genomic context (GRCh38, chr16:89,279,458, plus strand): 5'-GGGCCTGGGCGTCGTCGTCCTCGGAGCCGCGGGCCTTGGCCCTGGTGACCGGGGCAGGGG[T>TG]GGGGGCGCACTCCTTCTCGGAGGGGGGCGGGCCCTGCTTGCTCTGGTTCGCGAGCATCTG-3'

ClinVar aggregate classification (germline): Pathogenic (1 of 4 stars; one submission).

Submission:

GeneDx
Classification: Pathogenic. Last evaluated: 2016-06-06. Review status: criteria provided, single submitter. Criteria: GeneDx Variant Classification (06012015). Collection method: clinical testing. Allele origin: germline. Affected: yes.
Comment: The c.7083dupC pathogenic variant in the ANKRD11 gene has not been reported previously as a pathogenic variant nor as a benign variant, to our knowledge. This variant causes a frameshift starting with codon Threonine 2362, changes this amino acid to a Histidine residue, and creates a premature Stop codon at position 170 of the new reading frame, denoted p.Thr2362HisfsX170. This variant is predicted to cause loss of normal protein function either through protein truncation or nonsense-mediated mRNA decay. The c.7083dupC variant was not observed in approximately 1900 individuals of European and African American ancestry in the NHLBI Exome Sequencing Project, indicating it is not a common benign variant in these populations. We interpret c.7083dupC as a pathogenic variant.